The following is an entry in ClinVar:

ClinVar aggregate classification (germline): Uncertain significance (1 of 4 stars; one submission).

Conditions:
Werner syndrome (WRN). Identifiers: Orphanet 902, MedGen C0043119, MONDO:0010196, OMIM 277700.

Submission:

Labcorp Genetics (formerly Invitae), Labcorp
Classification: Uncertain significance for Werner syndrome. Last evaluated: 2024-04-22. Review status: criteria provided, single submitter. Criteria: Invitae Variant Classification Sherloc (09022015). Collection method: clinical testing. Allele origin: germline.
Comment: This sequence change replaces tryptophan, which is neutral and slightly polar, with arginine, which is basic and polar, at codon 676 of the WRN protein (p.Trp676Arg). This variant is not present in population databases (gnomAD no frequency). This variant has not been reported in the literature in individuals affected with WRN-related conditions. ClinVar contains an entry for this variant (Variation ID: 1498579). An algorithm developed to predict the effect of missense changes on protein structure and function (PolyPhen-2) suggests that this variant is likely to be disruptive. In summary, the available evidence is currently insufficient to determine the role of this variant in disease. Therefore, it has been classified as a Variant of Uncertain Significance.

NM_000553.6(WRN):c.2026T>A (p.Trp676Arg)

Gene: WRN (WRN RecQ like helicase; plus strand). Cytogenetic location: 8p12.
Variant type: single nucleotide variant.
Coding change: c.2026T>A on transcript NM_000553.6 (MANE Select); coding-DNA position 2026, T replaced by A.
Protein change: p.Trp676Arg; replaces tryptophan 676 with arginine.
Molecular consequence: missense variant.
Genome position (GRCh38, 1-based): chr8:31,100,893, T>A. VCF-style: chr8-31100893-T-A. GRCh37 (hg19) VCF-style: chr8-30958409-T-A.
Other names: short protein forms W676R.
Identifiers: ClinVar variation 1498579 (VCV001498579.6), dbSNP rs2130229303, ClinGen allele CA370908508.
Genomic context (GRCh38, chr8:31,100,893, plus strand): 5'-TTTTCTTTTTTTACAGGTATCACGCTCATTGCTGTGGATGAGGCTCACTGTATTTCTGAG[T>A]GGGGGCATGATTTTAGGGATTCATTCAGGAAGTTGGGCTCCCTAAAGACAGCACTGCCAA-3'
Protein context (NP_000544.2, residues 666-686): AVDEAHCISE[Trp676Arg]GHDFRDSFRK